The following is an entry in ClinVar:

ClinVar aggregate classification (germline): Uncertain significance (1 of 4 stars; one submission).

Submission:

GeneDx
Classification: Uncertain significance. Last evaluated: 2024-05-29. Review status: criteria provided, single submitter. Criteria: GeneDx Variant Classification Process June 2021. Collection method: clinical testing. Allele origin: germline. Affected: yes.
Comment: Not observed at significant frequency in large population cohorts (gnomAD); In silico analysis indicates that this missense variant does not alter protein structure/function; Has not been previously published as pathogenic or benign to our knowledge

NM_005334.3(HCFC1):c.1474C>T (p.Pro492Ser)

Gene: HCFC1 (host cell factor C1; minus strand). Cytogenetic location: Xq28.
Variant type: single nucleotide variant.
Coding change: c.1474C>T on transcript NM_005334.3 (MANE Select); coding-DNA position 1474, C replaced by T.
Protein change: p.Pro492Ser; replaces proline 492 with serine.
Molecular consequence: missense variant.
Genome position (GRCh38, 1-based): chrX:153,959,462, G>A on the plus strand (C>T on the coding strand, the complement: HCFC1 is on the minus strand). VCF-style: chrX-153959462-G-A. GRCh37 (hg19) VCF-style: chrX-153224913-G-A.
Other names: c.1474C>T, p.Pro492Ser (NM_001410705.1); short protein forms P492S.
Identifiers: ClinVar variation 3383656 (VCV003383656.1).